The following is an entry in ClinVar:

ClinVar aggregate classification (germline): Uncertain significance. Review status: criteria provided, single submitter (1 of 4 stars). 2 submissions from 2 submitters: Uncertain significance (1). 1 of the submissions does not count toward it. Last evaluated 2018-06-11.

Conditions:
BAAT-related disorder. Also called: BAAT-related condition.

Allele frequency attached by ClinVar (database versions not stated): gnomAD 0.00002; TOPMed 0.00002; ExAC 0.00002.
gnomAD v4.1: 4 of 1,613,954 alleles (0.00025%); highest among the groups gnomAD compares: African/African-American, 0.0053%; no homozygotes.

Submissions (2):

Eurofins Ntd Llc (ga)
Classification: Uncertain significance. Last evaluated: 2018-06-11. Review status: criteria provided, single submitter. Criteria: EGL ClinVar v180209 classification definitions. Collection method: clinical testing. Allele origin: germline. Observed: 1 variant allele, 1 heterozygote.

PreventionGenetics, part of Exact Sciences
Classification: Uncertain significance for BAAT-related condition. Last evaluated: 2024-05-09. Review status: no assertion criteria provided. Collection method: clinical testing. Allele origin: germline. Not counted in ClinVar's aggregate classification.
Comment: The BAAT c.1135G>C variant is predicted to result in the amino acid substitution p.Asp379His. To our knowledge, this variant has not been reported in the literature. This variant is reported in 0.0080% of alleles in individuals of African descent in gnomAD. At this time, the clinical significance of this variant is uncertain due to the absence of conclusive functional and genetic evidence.

NM_001701.4(BAAT):c.1135G>C (p.Asp379His)

Gene: BAAT (bile acid-CoA:amino acid N-acyltransferase; minus strand). Cytogenetic location: 9q31.1.
Variant type: single nucleotide variant.
Coding change: c.1135G>C on transcript NM_001701.4 (MANE Select); coding-DNA position 1135, G replaced by C.
Protein change: p.Asp379His; replaces aspartic acid 379 with histidine.
Molecular consequence: missense variant.
Genome position (GRCh38, 1-based): chr9:101,362,550, C>G on the plus strand (G>C on the coding strand, the complement: BAAT is on the minus strand). VCF-style: chr9-101362550-C-G. GRCh37 (hg19) VCF-style: chr9-104124832-C-G.
Other names: c.1135G>C, p.Asp379His (NM_001127610.2, NM_001374715.1); c.1135G>C (NM_001701.3); short protein forms D379H.
Identifiers: ClinVar variation 597580 (VCV000597580.6), dbSNP rs765307307, ClinGen allele CA5160557.
Genomic context (GRCh38, chr9:101,362,550, plus strand): 5'-AAGCATGTTCCTGTGCAGCTGCGTGTGGGATCACCTCTCCTCCCCAGTGTAACCTCAAAT[C>G]GTGGGTCGTTGAGGCACAGCACAGAGGAGAATAGGGAGGTTCTATCAGGTGGCCTGCCCC-3'
Protein context (NP_001692.1, residues 369-389): SPLCCASTTH[Asp379His]LRLHWGGEVI